The following is an entry in ClinVar:

NM_000188.3(HK1):c.1489C>G (p.Leu497Val)

Gene: HK1 (hexokinase 1; plus strand). Cytogenetic location: 10q22.1.
Variant type: single nucleotide variant.
Coding change: c.1489C>G on transcript NM_000188.3 (MANE Select); coding-DNA position 1489, C replaced by G.
Protein change: p.Leu497Val; replaces leucine 497 with valine.
Molecular consequence: missense variant.
Genome position (GRCh38, 1-based): chr10:69,382,710, C>G. VCF-style: chr10-69382710-C-G. GRCh37 (hg19) VCF-style: chr10-71142466-C-G.
Other names: c.1501C>G, p.Leu501Val (NM_001322364.2, NM_001358263.1, NM_033497.3 and 1 more transcripts); c.1594C>G, p.Leu532Val (NM_001322365.2); c.1405C>G, p.Leu469Val (NM_001322366.1); c.1393C>G, p.Leu465Val (NM_001322367.1); c.1486C>G, p.Leu496Val (NM_033496.3); c.1453C>G, p.Leu485Val (NM_033500.2); short protein forms L465V, L469V, L485V, L496V, L497V, L501V, L532V.
Identifiers: ClinVar variation 2570769 (VCV002570769.27), dbSNP rs1452351604, ClinGen allele CA376910048.

ClinVar aggregate classification (germline): Uncertain significance (1 of 4 stars; one submission).

Allele frequency attached by ClinVar (database versions not stated): gnomAD exomes below 0.00001; TOPMed below 0.00001; gnomAD 0.00001.
gnomAD v4.1: 3 of 1,613,456 alleles (0.00019%); highest among the groups gnomAD compares: Non-Finnish European, 0.00025%; no homozygotes.

Submission:

CeGaT Center for Human Genetics Tuebingen
Classification: Uncertain significance. Last evaluated: 2023-04-01. Review status: criteria provided, single submitter. Criteria: CeGaT Center For Human Genetics Tuebingen Variant Classification Criteria Version 2. Collection method: clinical testing. Allele origin: germline. Affected: yes. Observed: 1 variant allele.
Comment: HK1: PM2, PP2